The following is an entry in ClinVar:

ClinVar aggregate classification (germline): Uncertain significance. Review status: criteria provided, multiple submitters, no conflicts (2 of 4 stars). 3 submissions from 3 submitters: Uncertain significance (3). Last evaluated 2025-03-07.

Conditions:
Inborn genetic diseases. Identifiers: MedGen C0950123, MeSH D030342.

Allele frequency attached by ClinVar (database versions not stated): ExAC 0.00001; gnomAD 0.00001; gnomAD exomes 0.00001; TOPMed 0.00001.
gnomAD v4.1: 27 of 1,613,944 alleles (0.0017%); highest among the groups gnomAD compares: Middle Eastern, 0.017%; no homozygotes.

Submissions (3):

Ambry Genetics
Classification: Uncertain significance for Inborn genetic diseases. Last evaluated: 2025-03-07. Review status: criteria provided, single submitter. Criteria: Ambry Variant Classification Scheme 2023. Collection method: clinical testing. Allele origin: germline.

Labcorp Genetics (formerly Invitae), Labcorp
Classification: Uncertain significance. Last evaluated: 2024-02-24. Review status: criteria provided, single submitter. Criteria: Invitae Variant Classification Sherloc (09022015). Collection method: clinical testing. Allele origin: germline.
Comment: This sequence change replaces glutamic acid, which is acidic and polar, with aspartic acid, which is acidic and polar, at codon 171 of the PDE6A protein (p.Glu171Asp). This variant is present in population databases (rs759709649, gnomAD 0.003%). This variant has not been reported in the literature in individuals affected with PDE6A-related conditions. ClinVar contains an entry for this variant (Variation ID: 956254). Advanced modeling of protein sequence and biophysical properties (such as structural, functional, and spatial information, amino acid conservation, physicochemical variation, residue mobility, and thermodynamic stability) has been performed at Invitae for this missense variant, however the output from this modeling did not meet the statistical confidence thresholds required to predict the impact of this variant on PDE6A protein function. In summary, the available evidence is currently insufficient to determine the role of this variant in disease. Therefore, it has been classified as a Variant of Uncertain Significance.

Blueprint Genetics
Classification: Uncertain significance. Last evaluated: 2022-08-29. Review status: criteria provided, single submitter. Criteria: ACMG Guidelines, 2015. Collection method: clinical testing. Allele origin: germline.

NM_000440.3(PDE6A):c.513G>C (p.Glu171Asp)

Gene: PDE6A (phosphodiesterase 6A; minus strand). Cytogenetic location: 5q32.
Variant type: single nucleotide variant.
Coding change: c.513G>C on transcript NM_000440.3 (MANE Select); coding-DNA position 513, G replaced by C.
Protein change: p.Glu171Asp; replaces glutamic acid 171 with aspartic acid.
Molecular consequence: missense variant.
Genome position (GRCh38, 1-based): chr5:149,934,680, C>G on the plus strand (G>C on the coding strand, the complement: PDE6A is on the minus strand). VCF-style: chr5-149934680-C-G. GRCh37 (hg19) VCF-style: chr5-149314243-C-G.
Other names: short protein forms E171D.
Identifiers: ClinVar variation 956254 (VCV000956254.10), dbSNP rs759709649, ClinGen allele CA3505026.